The following is an entry in ClinVar:

NM_001257291.2(SLC9A7):c.794-14G>A

Gene: SLC9A7 (solute carrier family 9 member A7; minus strand). Cytogenetic location: Xp11.3.
Variant type: single nucleotide variant.
Coding change: c.794-14G>A on transcript NM_001257291.2 (MANE Select); 14 bases into the intron before coding-DNA position 794, G replaced by A.
Molecular consequence: intron variant.
Genome position (GRCh38, 1-based): chrX:46,662,657, C>T on the plus strand (G>A on the coding strand, the complement: SLC9A7 is on the minus strand). VCF-style: chrX-46662657-C-T. GRCh37 (hg19) VCF-style: chrX-46522092-C-T.
Other names: c.794-14G>A (NM_032591.3).
Identifiers: ClinVar variation 3901174 (VCV003901174.1).

ClinVar aggregate classification (germline): Uncertain significance (1 of 4 stars; one submission).

Conditions:
Intellectual developmental disorder, X-linked 108. Also called: MENTAL RETARDATION, X-LINKED 108. Identifiers: MedGen C5193009, MONDO:0026723, OMIM 301024.

gnomAD v4.1: 4 of 1,156,420 alleles (0.00035%); highest among the groups gnomAD compares: South Asian, 0.0018%; no homozygotes.

Submission:

Institute of Human Genetics, University of Leipzig Medical Center
Classification: Uncertain significance for Intellectual developmental disorder, X-linked 108. Last evaluated: 2025-05-20. Review status: criteria provided, single submitter. Criteria: ACMG Guidelines, 2015. Collection method: clinical testing. Allele origin: unknown. Inheritance: X-linked recessive inheritance. Affected: yes.
Comment: Criteria applied: PM2_SUP, PP3